The following is an entry in ClinVar:

ClinVar aggregate classification (germline): Uncertain significance (1 of 4 stars; one submission).

Conditions:
Hereditary nonpolyposis colorectal neoplasms. Identifiers: MedGen C0009405, MeSH D003123.

Submission:

Labcorp Genetics (formerly Invitae), Labcorp
Classification: Uncertain significance for Hereditary nonpolyposis colorectal neoplasms. Last evaluated: 2022-11-26. Review status: criteria provided, single submitter. Criteria: Invitae Variant Classification Sherloc (09022015). Collection method: clinical testing. Allele origin: germline.
Comment: This variant, c.1785_1787del, results in the deletion of 1 amino acid(s) of the MSH6 protein (p.Leu595del), but otherwise preserves the integrity of the reading frame. This variant is not present in population databases (gnomAD no frequency). This variant has not been reported in the literature in individuals affected with MSH6-related conditions. Experimental studies and prediction algorithms are not available or were not evaluated, and the functional significance of this variant is currently unknown. In summary, the available evidence is currently insufficient to determine the role of this variant in disease. Therefore, it has been classified as a Variant of Uncertain Significance.

NM_000179.3(MSH6):c.1785_1787del (p.Leu595del)

Gene: MSH6 (mutS homolog 6; plus strand). Cytogenetic location: 2p16.3.
Variant type: Deletion.
Coding change: c.1785_1787del on transcript NM_000179.3 (MANE Select); coding-DNA positions 1785 to 1787, 3 bases deleted (ATT; older notation c.1785_1787delATT).
Protein change: p.Leu595del; deletes leucine 595.
Molecular consequence: inframe deletion. On other transcripts: non-coding transcript variant (4), intron variant (2).
Genome position (GRCh38, 1-based): chr2:47,799,768-47,799,770, ATT deleted; deleting any 3 consecutive bases within chr2:47,799,766-47,799,770 gives the same sequence; the c. name uses the placement nearest the transcript's 3' end. VCF-style (leftmost placement, unchanged base first): chr2-47799765-TTTA-T. GRCh37 (hg19) VCF-style: chr2-48026904-TTTA-T.
Other names: c.1606+179_1606+181del (NM_001406817.1); c.628-898_628-896del (NM_001407362.1); c.1488_1490del, p.Leu496del (NM_001406805.1, NM_001406797.1, NM_001406801.1 and 10 more transcripts); c.1260_1262del, p.Leu420del (NM_001406806.1, NM_001406807.1, NM_001406799.1); c.1785_1787del, p.Leu595del (NM_001406808.1, NM_001406809.1, NM_001406796.1 and 3 more transcripts); c.879_881del, p.Leu293del (NM_001406811.1, NM_001406812.1, NM_001406814.1 and 6 more transcripts); c.1791_1793del, p.Leu597del (NM_001406813.1); c.1395_1397del, p.Leu465del (NM_001281492.2); and 3 more; short protein forms L465del, L569del, L293del, L420del, L597del, L496del, L539del, L595del.
Identifiers: ClinVar variation 2816909 (VCV002816909.3), dbSNP rs2530629645, ClinGen allele CA2739274415.